The following is an entry in ClinVar:

ClinVar aggregate classification (germline): Uncertain significance (1 of 4 stars; one submission).

Conditions:
Neurofibromatosis, type 1 (NF1). Also called: VON RECKLINGHAUSEN DISEASE; Peripheral type neurofibromatosis; Neurofibromatosis, type I; NEUROFIBROMATOSIS, TYPE I, SOMATIC. Identifiers: Orphanet 636, MedGen C0027831, MONDO:0018975, OMIM 162200. Disease mechanism: loss of function.

Submission:

Labcorp Genetics (formerly Invitae), Labcorp
Classification: Uncertain significance for Neurofibromatosis, type 1. Last evaluated: 2020-11-14. Review status: criteria provided, single submitter. Criteria: Invitae Variant Classification Sherloc (09022015). Collection method: clinical testing. Allele origin: germline.
Comment: Algorithms developed to predict the effect of missense changes on protein structure and function are either unavailable or do not agree on the potential impact of this missense change (SIFT: "Deleterious"; PolyPhen-2: "Benign"; Align-GVGD: "Class C0"). This sequence change replaces serine with cysteine at codon 139 of the NF1 protein (p.Ser139Cys). The serine residue is moderately conserved and there is a moderate physicochemical difference between serine and cysteine. This variant is not present in population databases (ExAC no frequency). This variant has not been reported in the literature in individuals with NF1-related conditions. In summary, the available evidence is currently insufficient to determine the role of this variant in disease. Therefore, it has been classified as a Variant of Uncertain Significance.

NM_001042492.3(NF1):c.416C>G (p.Ser139Cys)

Gene: NF1 (neurofibromin 1; plus strand). Cytogenetic location: 17q11.2.
Variant type: single nucleotide variant.
Coding change: c.416C>G on transcript NM_001042492.3 (MANE Select); coding-DNA position 416, C replaced by G.
Protein change: p.Ser139Cys; replaces serine 139 with cysteine.
Molecular consequence: missense variant.
Genome position (GRCh38, 1-based): chr17:31,163,313, C>G. VCF-style: chr17-31163313-C-G. GRCh37 (hg19) VCF-style: chr17-29490331-C-G.
Other names: c.416C>G, p.Ser139Cys (NM_000267.4, NM_001128147.3); short protein forms S139C.
Identifiers: ClinVar variation 1347465 (VCV001347465.8), dbSNP rs1262333812, ClinGen allele CA398981903.